The following is an entry in ClinVar:

ClinVar aggregate classification (germline): Uncertain significance (1 of 4 stars; one submission).

Submission:

Mayo Clinic Laboratories, Mayo Clinic
Classification: Uncertain significance. Last evaluated: 2023-09-19. Review status: criteria provided, single submitter. Criteria: ACMG Guidelines, 2015. Collection method: clinical testing. Allele origin: germline. Observed: 1 variant allele.
Comment: PM2

NM_001710.6(CFB):c.1739T>C (p.Ile580Thr)

Gene: CFB (complement factor B; plus strand). Cytogenetic location: 6p21.33.
Variant type: single nucleotide variant.
Coding change: c.1739T>C on transcript NM_001710.6 (MANE Select); coding-DNA position 1739, T replaced by C.
Protein change: p.Ile580Thr; replaces isoleucine 580 with threonine.
Molecular consequence: missense variant.
Genome position (GRCh38, 1-based): chr6:31,950,733, T>C. VCF-style: chr6-31950733-T-C. GRCh37 (hg19) VCF-style: chr6-31918510-T-C.
Other names: p.Ile580Thr; short protein forms I580T.
Identifiers: ClinVar variation 3379650 (VCV003379650.1).